The following is an entry in ClinVar:

NM_001172509.2(SATB2):c.839C>T (p.Thr280Ile)

Gene: SATB2 (SATB homeobox 2; minus strand). Cytogenetic location: 2q33.1.
Variant type: single nucleotide variant.
Coding change: c.839C>T on transcript NM_001172509.2 (MANE Select); coding-DNA position 839, C replaced by T.
Protein change: p.Thr280Ile; replaces threonine 280 with isoleucine.
Molecular consequence: missense variant.
Genome position (GRCh38, 1-based): chr2:199,349,035, G>A on the plus strand (C>T on the coding strand, the complement: SATB2 is on the minus strand). VCF-style: chr2-199349035-G-A. GRCh37 (hg19) VCF-style: chr2-200213758-G-A.
Other names: c.839C>T, p.Thr280Ile (NM_001172517.1, NM_015265.4); short protein forms T280I.
Identifiers: ClinVar variation 3369340 (VCV003369340.1).

ClinVar aggregate classification (germline): Uncertain significance (1 of 4 stars; one submission).

Submission:

GeneDx
Classification: Uncertain significance. Last evaluated: 2024-02-15. Review status: criteria provided, single submitter. Criteria: GeneDx Variant Classification Process June 2021. Collection method: clinical testing. Allele origin: germline. Affected: yes.
Comment: Not observed at significant frequency in large population cohorts (gnomAD); In silico analysis supports that this missense variant has a deleterious effect on protein structure/function; Has not been previously published as pathogenic or benign to our knowledge